The following is an entry in ClinVar:

ClinVar aggregate classification (germline): Pathogenic. Review status: criteria provided, single submitter (1 of 4 stars). 2 submissions from 2 submitters: Pathogenic (1). 1 of the submissions does not count toward it. Last evaluated 2022-11-18.

Conditions:
Angelman syndrome (AS). Also called: HAPPY PUPPET SYNDROME. Identifiers: Orphanet 72, MedGen C0162635, MONDO:0007113, OMIM 105830. Disease mechanism: loss of function. Inheritance: AS is caused by disruption of maternally imprinted UBE3A located within the 15q11.2-q13 Angelman syndrome/Prader-Willi syndrome (AS/PWS) region., imprinting disorder.

Submissions (2):

Labcorp Genetics (formerly Invitae), Labcorp
Classification: Pathogenic for Angelman syndrome. Last evaluated: 2022-11-18. Review status: criteria provided, single submitter. Criteria: Invitae Variant Classification Sherloc (09022015). Collection method: clinical testing. Allele origin: germline.
Comment: For these reasons, this variant has been classified as Pathogenic. This variant disrupts a region of the UBE3A protein in which other variant(s) (p.Glu837Argfs*4) have been determined to be pathogenic (PMID: 11748306, 20034088). This suggests that this is a clinically significant region of the protein, and that variants that disrupt it are likely to be disease-causing. ClinVar contains an entry for this variant (Variation ID: 155982). This premature translational stop signal has been observed in individual(s) with clinical features of UBE3A-related conditions (PMID: 25212744). This variant is not present in population databases (gnomAD no frequency). This sequence change creates a premature translational stop signal (p.Lys834Argfs*4) in the UBE3A gene. While this is not anticipated to result in nonsense mediated decay, it is expected to disrupt the last 19 amino acid(s) of the UBE3A protein.

Baylor Genetics
Classification: Pathogenic for Angelman Syndrome. Last evaluated: 2014-02-14. Review status: no assertion criteria provided. Collection method: clinical testing. Allele origin: germline. Affected: yes. Observed: 1 variant allele. Study: UBE3A Mutation Study. Not counted in ClinVar's aggregate classification.
Comment: Data collected from clinical UBE3A sequence analysis results

Literature cited by the submitters: PubMed 11748306 (cited by Labcorp Genetics (formerly Invitae), Labcorp); PubMed 20034088 (cited by Labcorp Genetics (formerly Invitae), Labcorp); PubMed 25212744 (cited by Labcorp Genetics (formerly Invitae), Labcorp and Baylor Genetics).

NM_130839.5(UBE3A):c.2557_2560dup (p.Lys854fs)

Genes: SNHG14 (small nucleolar RNA host gene 14; plus strand), UBE3A (ubiquitin protein ligase E3A; minus strand). Cytogenetic location: 15q11.2.
Variant type: Duplication.
Coding change: c.2557_2560dup on transcript NM_130839.5 (MANE Select); coding-DNA positions 2557 to 2560, 4 bases duplicated (GAAA; older notation c.2557_2560dupGAAA).
Protein change: p.Lys854fs; shifts the reading frame from lysine 854.
Molecular consequence: frameshift variant. On other transcripts: non-coding transcript variant (1).
Genome position (GRCh38, 1-based): chr15:25,339,196-25,339,199, TTTC duplicated on the plus strand (GAAA on the coding strand, the reverse complement: UBE3A is on the minus strand); duplicating any 4 consecutive bases within chr15:25,339,196-25,339,202 gives the same sequence; the c. name uses the placement nearest the transcript's 3' end. VCF-style (leftmost placement, unchanged base first): chr15-25339195-T-TTTTC. GRCh37 (hg19) VCF-style: chr15-25584342-T-TTTTC.
Other names: c.2566_2569dup, p.Lys857fs (NM_000462.5); c.2557_2560dup, p.Lys854fs (NM_001354505.1, NM_001354538.2); c.2497_2500dup, p.Lys834fs (NM_001354506.2, NM_001354507.2, NM_001354508.2 and 14 more transcripts); c.2401_2404dup, p.Lys802fs (NM_001354545.2); c.2380_2383dup, p.Lys795fs (NM_001354546.2); c.2341_2344dup, p.Lys782fs (NM_001354547.2, NM_001354548.2); c.2332_2335dup, p.Lys779fs (NM_001354549.2); c.1306_1309dup, p.Lys437fs (NM_001354550.2); and 1 more; short protein forms K437fs, K779fs, K854fs, K795fs, K834fs, K857fs, K417fs, K782fs.
Identifiers: ClinVar variation 155982 (VCV000155982.4), dbSNP rs587781229, ClinGen allele CA333363.